The following is an entry in ClinVar:

NM_002693.3(POLG):c.*30G>A

Genes: FANCI (FA complementation group I; plus strand), POLG (DNA polymerase gamma, catalytic subunit; minus strand). Cytogenetic location: 15q26.1.
Variant type: single nucleotide variant.
Coding change: c.*30G>A on transcript NM_002693.3 (MANE Select); 30 bases downstream of the stop codon, G replaced by A.
Molecular consequence: 3 prime UTR variant.
Genome position (GRCh38, 1-based): chr15:89,316,721, C>T on the plus strand (G>A on the coding strand, the complement: POLG is on the minus strand). VCF-style: chr15-89316721-C-T. GRCh37 (hg19) VCF-style: chr15-89859952-C-T.
Other names: c.*30G>A (NM_001126131.2); c.*262C>T (NM_001113378.2, NM_001376910.1, NM_001376911.1 and 1 more transcripts).
Identifiers: ClinVar variation 317310 (VCV000317310.31), dbSNP rs3087376, ClinGen allele CA7724021.

ClinVar aggregate classification (germline): Conflicting classifications of pathogenicity. Review status: criteria provided, conflicting classifications (1 of 4 stars). 5 submissions from 4 submitters: Uncertain significance (1); Benign (2); Likely benign (2). Last evaluated 2025-04-01.

Conditions:
POLG-related disorder. Also called: POLG-Related Spectrum Disorders; POLG-related condition; POLG-Related Disorders. Identifiers: MedGen C4763519.
Fanconi anemia complementation group I (FANCI). Also called: FANCI-Related Fanconi Anemia. Identifiers: Orphanet 84, MedGen C1836861, MONDO:0012186, OMIM 609053.
Progressive sclerosing poliodystrophy (MTDPS4A). Also called: Mitochondrial DNA depletion syndrome 4A (Alpers type); Mitochondrial DNA Depletion Syndrome 4A; NEURONAL DEGENERATION OF CHILDHOOD WITH LIVER DISEASE, PROGRESSIVE; ALPERS PROGRESSIVE INFANTILE POLIODYSTROPHY; Alpers-Huttenlocher Syndrome (AHS); ALPERS DIFFUSE DEGENERATION OF CEREBRAL GRAY MATTER WITH HEPATIC CIRRHOSIS. Identifiers: Orphanet 726, MedGen C0205710, MONDO:0008758, OMIM 203700.

Allele frequency attached by ClinVar (database versions not stated): gnomAD 0.00001 and 0.00046; TOPMed 0.00009; gnomAD exomes 0.00078 and 0.00167; ExAC 0.00190; 1000 Genomes Project 30x 0.00265; 1000 Genomes Project 0.00339.
gnomAD v4.1: 1,211 of 1,574,810 alleles (0.077%); highest among the groups gnomAD compares: South Asian, 1.2%; 17 homozygotes.

Submissions (5):

CeGaT Center for Human Genetics Tuebingen
Classification: Benign. Last evaluated: 2025-04-01. Review status: criteria provided, single submitter. Criteria: CeGaT Center For Human Genetics Tuebingen Variant Classification Criteria Version 2. Collection method: clinical testing. Allele origin: germline. Affected: yes. Observed: 3 variant alleles.
Comment: FANCI: BS1, BS2; POLG: BS1, BS2

Wong Mito Lab, Molecular and Human Genetics, Baylor College of Medicine
Classification: Uncertain significance for Progressive sclerosing poliodystrophy. Last evaluated: 2018-10-01. Review status: criteria provided, single submitter. Criteria: ACMG Guidelines, 2015. Collection method: clinical testing. Allele origin: germline.
Comment: The NM_002693.2:c.*30G>A (NP_002684.1:p.=) [GRCH38: NC_000015.10:g.89316721C>T] variant in FANCI gene is interpretated to be a Uncertain Significance based on ACMG guidelines (PMID: 25741868). This variant meets the following evidence codes reported in the ACMG-guideline. BP4:Computational evidence/predictors indicate no impact on the FANCI structure, function, or protein-protein interaction. Based on the evidence criteria codes applied, the variant is suggested to be Uncertain Significance.

GeneDx
Classification: Likely benign. Last evaluated: 2018-08-17. Review status: criteria provided, single submitter. Criteria: GeneDx Variant Classification Process June 2021. Collection method: clinical testing. Allele origin: germline. Affected: yes.

Illumina Laboratory Services, Illumina
Classification: Likely benign for POLG-Related Spectrum Disorders. Last evaluated: 2018-01-13. Review status: criteria provided, single submitter. Criteria: ICSL Variant Classification Criteria 13 December 2019. Collection method: clinical testing. Allele origin: germline.
Comment: This variant was observed in the ICSL laboratory as part of a predisposition screen in an ostensibly healthy population. It had not been previously curated by ICSL or reported in the Human Gene Mutation Database (HGMD: prior to June 1st, 2018), and was therefore a candidate for classification through an automated scoring system. Utilizing variant allele frequency, disease prevalence and penetrance estimates, and inheritance mode, an automated score was calculated to assess if this variant is too frequent to cause the disease. Based on the score and internal cut-off values, a variant classified as likely benign is not then subjected to further curation. The score for this variant resulted in a classification of likely benign for this disease.

Illumina Laboratory Services, Illumina
Classification: Benign for Fanconi anemia complementation group I. Last evaluated: 2018-01-13. Review status: criteria provided, single submitter. Criteria: ICSL Variant Classification Criteria 13 December 2019. Collection method: clinical testing. Allele origin: germline.
Comment: This variant was observed in the ICSL laboratory as part of a predisposition screen in an ostensibly healthy population. It had not been previously curated by ICSL or reported in the Human Gene Mutation Database (HGMD: prior to June 1st, 2018), and was therefore a candidate for classification through an automated scoring system. Utilizing variant allele frequency, disease prevalence and penetrance estimates, and inheritance mode, an automated score was calculated to assess if this variant is too frequent to cause the disease. Based on the score and internal cut-off values, a variant classified as benign is not then subjected to further curation. The score for this variant resulted in a classification of benign for this disease.